The following is an entry in ClinVar:

ClinVar aggregate classification (germline): Uncertain significance (1 of 4 stars; one submission).

Conditions:
Autoimmune interstitial lung disease-arthritis syndrome. Also called: Autoinflammation and autoimmunity, systemic, with immune dysregulation. Identifiers: Orphanet 444092, MedGen C5975714, MONDO:0014629.

Allele frequency attached by ClinVar (database versions not stated): gnomAD exomes below 0.00001.

Submission:

Labcorp Genetics (formerly Invitae), Labcorp
Classification: Uncertain significance for Autoimmune interstitial lung disease-arthritis syndrome. Last evaluated: 2022-07-12. Review status: criteria provided, single submitter. Criteria: Invitae Variant Classification Sherloc (09022015). Collection method: clinical testing. Allele origin: germline.
Comment: Algorithms developed to predict the effect of missense changes on protein structure and function are either unavailable or do not agree on the potential impact of this missense change (SIFT: "Deleterious"; PolyPhen-2: "Probably Damaging"; Align-GVGD: "Class C0"). This sequence change replaces histidine, which is basic and polar, with arginine, which is basic and polar, at codon 102 of the COPA protein (p.His102Arg). This variant is not present in population databases (gnomAD no frequency). This variant has not been reported in the literature in individuals affected with COPA-related conditions. ClinVar contains an entry for this variant (Variation ID: 1515554). In summary, the available evidence is currently insufficient to determine the role of this variant in disease. Therefore, it has been classified as a Variant of Uncertain Significance.

NM_004371.4(COPA):c.305A>G (p.His102Arg)

Gene: COPA (coat protein complex I subunit alpha; minus strand). Cytogenetic location: 1q23.2.
Variant type: single nucleotide variant.
Coding change: c.305A>G on transcript NM_004371.4 (MANE Select); coding-DNA position 305, A replaced by G.
Protein change: p.His102Arg; replaces histidine 102 with arginine.
Molecular consequence: missense variant.
Genome position (GRCh38, 1-based): chr1:160,335,246, T>C on the plus strand (A>G on the coding strand, the complement: COPA is on the minus strand). VCF-style: chr1-160335246-T-C. GRCh37 (hg19) VCF-style: chr1-160305036-T-C.
Other names: c.305A>G, p.His102Arg (NM_001098398.2); short protein forms H102R.
Identifiers: ClinVar variation 1515554 (VCV001515554.8), dbSNP rs2101874672, ClinGen allele CA343271254.